The following is an entry in ClinVar:

NM_000090.4(COL3A1):c.3290C>G (p.Thr1097Arg)

Gene: COL3A1 (collagen type III alpha 1 chain; plus strand). Cytogenetic location: 2q32.2.
Variant type: single nucleotide variant.
Coding change: c.3290C>G on transcript NM_000090.4 (MANE Select); coding-DNA position 3290, C replaced by G.
Protein change: p.Thr1097Arg; replaces threonine 1097 with arginine.
Molecular consequence: missense variant.
Genome position (GRCh38, 1-based): chr2:189,007,534, C>G. VCF-style: chr2-189007534-C-G. GRCh37 (hg19) VCF-style: chr2-189872260-C-G.
Other names: short protein forms T1097R.
Identifiers: ClinVar variation 927972 (VCV000927972.14), dbSNP rs1224538144, ClinGen allele CA349845679.

ClinVar aggregate classification (germline): Uncertain significance. Review status: criteria provided, multiple submitters, no conflicts (2 of 4 stars). 7 submissions from 7 submitters: Uncertain significance (7). Last evaluated 2026-06-29.

Conditions:
Ehlers-Danlos syndrome, type 4 (EDSVASC). Also called: Ehlers-Danlos syndrome vascular type; Ehlers Danlos syndrome, ecchymotic type; Ehlers Danlos syndrome, arterial type; Ehlers Danlos syndrome, Sack-Barabas type; Ehlers-Danlos Syndrome Type IV. Identifiers: Orphanet 286, MedGen C0268338, MONDO:0017314, OMIM 130050.
Familial thoracic aortic aneurysm and aortic dissection (TAAD). Also called: Thoracic aortic aneurysms and dissections. Identifiers: Orphanet 91387, MedGen C4707243, MONDO:0019625.

Allele frequency attached by ClinVar (database versions not stated): gnomAD exomes below 0.00001; TOPMed 0.00001.

Submissions (7):

Women's Health and Genetics/Laboratory Corporation of America, LabCorp
Classification: Uncertain significance. Last evaluated: 2026-06-29. Review status: criteria provided, single submitter. Criteria: LabCorp Variant Classification Summary - May 2015. Collection method: clinical testing. Allele origin: germline.
Comment: Variant summary: COL3A1 c.3290C>G (p.Thr1097Arg) results in a non-conservative amino acid change in the encoded protein sequence. Algorithms developed to predict the effect of missense changes on protein structure and function all suggest that this variant is likely to be disruptive. The variant was absent in 250620 control chromosomes. The available data on variant occurrences in the general population are insufficient to allow any conclusion about variant significance. To our knowledge, no occurrence of c.3290C>G in individuals affected with COL3A1-related conditions and no experimental evidence demonstrating its impact on protein function have been reported. ClinVar contains an entry for this variant (Variation ID: 927972). Based on the evidence outlined above, the variant was classified as uncertain significance.

Ambry Genetics
Classification: Uncertain significance for Familial thoracic aortic aneurysm and aortic dissection. Last evaluated: 2025-11-19. Review status: criteria provided, single submitter. Criteria: Ambry Variant Classification Scheme 2023. Collection method: clinical testing. Allele origin: germline.
Comment: The p.T1097R variant (also known as c.3290C>G), located in coding exon 45 of the COL3A1 gene, results from a C to G substitution at nucleotide position 3290. The threonine at codon 1097 is replaced by arginine, an amino acid with similar properties. This amino acid position is not well conserved in available vertebrate species. In addition, the in silico prediction for this alteration is inconclusive. Based on the available evidence, the clinical significance of this variant remains unclear.

Labcorp Genetics (formerly Invitae), Labcorp
Classification: Uncertain significance for Ehlers-Danlos syndrome, type 4. Last evaluated: 2025-10-08. Review status: criteria provided, single submitter. Criteria: Invitae Variant Classification Sherloc (09022015). Collection method: clinical testing. Allele origin: germline.
Comment: This sequence change replaces threonine, which is neutral and polar, with arginine, which is basic and polar, at codon 1097 of the COL3A1 protein (p.Thr1097Arg). This variant is not present in population databases (gnomAD no frequency). This variant has not been reported in the literature in individuals affected with COL3A1-related conditions. ClinVar contains an entry for this variant (Variation ID: 927972). Invitae Evidence Modeling of protein sequence and biophysical properties (such as structural, functional, and spatial information, amino acid conservation, physicochemical variation, residue mobility, and thermodynamic stability) indicates that this missense variant is not expected to disrupt COL3A1 protein function with a negative predictive value of 95%. In summary, the available evidence is currently insufficient to determine the role of this variant in disease. Therefore, it has been classified as a Variant of Uncertain Significance.

All of Us Research Program, National Institutes of Health
Classification: Uncertain significance for Ehlers-Danlos syndrome, type 4. Last evaluated: 2024-03-24. Review status: criteria provided, single submitter. Criteria: ACMG Guidelines, 2015. Collection method: clinical testing. Allele origin: germline. Inheritance: Autosomal dominant inheritance. Observed: 3 variant alleles, 3 heterozygotes.
Comment: This missense variant replaces threonine with arginine at codon 1097 of the COL3A1 protein. Computational prediction tools and conservation analyses are inconclusive regarding the impact of this variant on the protein function. Computational splicing tools suggest that this variant may not impact RNA splicing. To our knowledge, functional assays have not been performed for this variant nor has this variant been reported in individuals affected with cardiovascular disorders in the literature. This variant has not been identified in the general population by the Genome Aggregation Database (gnomAD). Available evidence is insufficient to determine the role of this variant in disease conclusively. Therefore, this variant is classified as a Variant of Uncertain Significance.

This study involves interpretation of variants in research participants for the purpose of population health screening. Participant phenotype was not available at the time of variant classification. Additional details can be found in publication PMID: 35346344, PMCID: PMC8962531

Color Diagnostics, LLC DBA Color Health
Classification: Uncertain significance for Familial thoracic aortic aneurysm and aortic dissection. Last evaluated: 2024-03-07. Review status: criteria provided, single submitter. Criteria: ACMG Guidelines, 2015. Collection method: clinical testing. Allele origin: germline.
Comment: This missense variant replaces threonine with arginine at codon 1097 of the COL3A1 protein. Computational prediction suggests that this variant may not impact protein structure and function (internally defined REVEL score threshold <= 0.5, PMID: 27666373). To our knowledge, functional studies have not been reported for this variant. This variant has not been reported in individuals affected with COL3A1-related disorders in the literature. This variant has not been identified in the general population by the Genome Aggregation Database (gnomAD). The available evidence is insufficient to determine the role of this variant in disease conclusively. Therefore, this variant is classified as a Variant of Uncertain Significance.

GeneDx
Classification: Uncertain significance. Last evaluated: 2024-01-18. Review status: criteria provided, single submitter. Criteria: GeneDx Variant Classification Process June 2021. Collection method: clinical testing. Allele origin: germline. Affected: yes.
Comment: Has not been previously published as pathogenic or benign to our knowledge; Not observed at significant frequency in large population cohorts (gnomAD); Occurs in the triple helical domain at the Y position in the canonical Gly-X-Y repeat; although this variant may have an effect on normal protein folding and function, missense substitution at the Y position is not a common mechanism of disease (HGMD); In silico analysis supports that this missense variant does not alter protein structure/function

Blueprint Genetics
Classification: Uncertain significance. Last evaluated: 2024-01-16. Review status: criteria provided, single submitter. Criteria: ACMG Guidelines, 2015. Collection method: clinical testing. Allele origin: germline.